The following is an entry in ClinVar:

NM_000827.4(GRIA1):c.255C>G (p.Ile85Met)

Gene: GRIA1 (glutamate ionotropic receptor AMPA type subunit 1; plus strand). Cytogenetic location: 5q33.2.
Variant type: single nucleotide variant.
Coding change: c.255C>G on transcript NM_000827.4 (MANE Select); coding-DNA position 255, C replaced by G.
Protein change: p.Ile85Met; replaces isoleucine 85 with methionine.
Molecular consequence: missense variant. On other transcripts: 5 prime UTR variant (1), non-coding transcript variant (2), intron variant (1).
Genome position (GRCh38, 1-based): chr5:153,646,962, C>G. VCF-style: chr5-153646962-C-G. GRCh37 (hg19) VCF-style: chr5-153026522-C-G.
Other names: c.255C>G, p.Ile85Met (NM_001114183.2, NM_001364165.2); c.-31C>G (NM_001258020.2); c.285C>G, p.Ile95Met (NM_001258021.2, NM_001258022.2); c.48C>G, p.Ile16Met (NM_001258023.1, NM_001364167.2); c.282C>G, p.Ile94Met (NM_001364166.2); c.221-3368C>G (NM_001258019.2); short protein forms I16M, I85M, I94M, I95M.
Identifiers: ClinVar variation 2631184 (VCV002631184.1), dbSNP rs138393870, ClinGen allele CA361904384.

ClinVar aggregate classification (germline): Uncertain significance (1 of 4 stars; one submission).

Conditions:
GRIA1-related disorder. Also called: GRIA1-related condition.

Submission:

PreventionGenetics, part of Exact Sciences
Classification: Uncertain significance for GRIA1-related condition. Last evaluated: 2023-09-19. Review status: criteria provided, single submitter. Criteria: ACMG Guidelines, 2015. Collection method: clinical testing. Allele origin: germline.
Comment: The GRIA1 c.255C>G variant is predicted to result in the amino acid substitution p.Ile85Met. To our knowledge, this variant has not been reported in the literature or in a large population database, indicating this variant is rare. At this time, the clinical significance of this variant is uncertain due to the absence of conclusive functional and genetic evidence.